The following is an entry in ClinVar:

ClinVar aggregate classification (germline): Uncertain significance (1 of 4 stars; one submission).

Conditions:
Inborn genetic diseases. Identifiers: MedGen C0950123, MeSH D030342.

gnomAD v4.1: 1 of 1,603,484 alleles (0.000062%); highest among the groups gnomAD compares: Non-Finnish European, 0.000085%; no homozygotes.

Submission:

Ambry Genetics
Classification: Uncertain significance for Inborn genetic diseases. Last evaluated: 2025-01-16. Review status: criteria provided, single submitter. Criteria: Ambry Variant Classification Scheme 2023. Collection method: clinical testing. Allele origin: germline.
Comment: The p.I217S variant (also known as c.650T>G), located in coding exon 2 of the LTBP3 gene, results from a T to G substitution at nucleotide position 650. The isoleucine at codon 217 is replaced by serine, an amino acid with dissimilar properties. This amino acid position is conserved. In addition, the in silico prediction for this alteration is inconclusive. Based on the available evidence, the clinical significance of this variant remains unclear.

NM_001130144.3(LTBP3):c.650T>G (p.Ile217Ser)

Gene: LTBP3 (latent transforming growth factor beta binding protein 3; minus strand). Cytogenetic location: 11q13.1.
Variant type: single nucleotide variant.
Coding change: c.650T>G on transcript NM_001130144.3 (MANE Select); coding-DNA position 650, T replaced by G.
Protein change: p.Ile217Ser; replaces isoleucine 217 with serine.
Molecular consequence: missense variant.
Genome position (GRCh38, 1-based): chr11:65,554,062, A>C on the plus strand (T>G on the coding strand, the complement: LTBP3 is on the minus strand). VCF-style: chr11-65554062-A-C. GRCh37 (hg19) VCF-style: chr11-65321533-A-C.
Other names: c.299T>G, p.Ile100Ser (NM_001164266.1); c.650T>G, p.Ile217Ser (NM_021070.4); short protein forms I217S, I100S.
Identifiers: ClinVar variation 3868972 (VCV003868972.1).
Genomic context (GRCh38, chr11:65,554,062, plus strand): 5'-TAGTGCCCACCCACTGGCGACCTTCCCGGGTTTGCCAGTTGCCTGGTACCTTCTGCTGAG[A>C]TCTGTCCCGGGCCTAGGGGCACCAGGAAGGCTGCGTGCTGGGCAGGAGGCCCCTCCCCGG-3'
Protein context (NP_001123616.1, residues 207-227): AFLVPLGPGQ[Ile217Ser]SAEVQAPPPV